The following is an entry in ClinVar:

NM_020821.3(VPS13C):c.3331G>T (p.Gly1111Ter)

Gene: VPS13C (vacuolar protein sorting 13 homolog C; minus strand). Cytogenetic location: 15q22.2.
Variant type: single nucleotide variant.
Coding change: c.3331G>T on transcript NM_020821.3 (MANE Select); coding-DNA position 3331, G replaced by T.
Protein change: p.Gly1111Ter; replaces glycine 1111 with a stop codon.
Molecular consequence: nonsense.
Genome position (GRCh38, 1-based): chr15:61,963,835, C>A on the plus strand (G>T on the coding strand, the complement: VPS13C is on the minus strand). VCF-style: chr15-61963835-C-A. GRCh37 (hg19) VCF-style: chr15-62256034-C-A.
Other names: c.3331G>T, p.Gly1111Ter (NM_001018088.3); c.3202G>T, p.Gly1068Ter (NM_017684.5, NM_018080.4); short protein forms G1068*, G1111*.
Identifiers: ClinVar variation 3075762 (VCV003075762.1), dbSNP rs2547988538, ClinGen allele CA392706337.
Genomic context (GRCh38, chr15:61,963,835, plus strand): 5'-AGACAAAAAGAAGGAAAAGTTTATCTTTTCGCCAATTTTCAATGCCGTGTGAACTTTTAC[C>A]TTGAATCTTGATTTCGGCGATATTGTTCTTTTCGTTGCAAACAATGACACAGAAAGCATT-3'

ClinVar aggregate classification (germline): Likely pathogenic (1 of 4 stars; one submission).

Conditions:
Young-onset Parkinson disease. Identifiers: Orphanet 2828, MedGen C4275179, MONDO:0017279.

Submission:

Laboratory for Molecular Medicine, Mass General Brigham Personalized Medicine
Classification: Likely pathogenic for Young-onset Parkinson disease. Last evaluated: 2019-03-07. Review status: criteria provided, single submitter. Criteria: ACMG Guidelines, 2015. Collection method: clinical testing. Allele origin: germline. Inheritance: Autosomal recessive inheritance.
Comment: The p.Gly1111X variant VPS13C has not been previously reported in individuals with Parkinson disease and was absent from large population studies. This nonsense variant leads to a premature termination codon at position 1111, which is predicted to lead to a truncated or absent protein. This variant is also located in the last base of the exon, which is part of the 5’ splice region. Computational tools predict a splicing impact, though this information is not predictive enough to determine pathogenicity. Loss of function of the VPS13C gene is strongly associated with autosomal recessive early onset parkinsonism and at least four of the reported variants are located in the 3' of p.Gly1111X (Schormair 2018; Lesage 2016; Darvish 2018). In summary, although additional studies are required to fully establish its clinical significance, this variant meets criteria to be classified as likely pathogenic for autosomal recessive early onset parkinsonism. ACMG/AMP Criteria applied: PM2, PVS1_Strong.